The following is an entry in ClinVar:

NM_024747.6(HPS6):c.1018G>A (p.Gly340Arg)

Gene: HPS6 (HPS6 biogenesis of lysosomal organelles complex 2 subunit 3; plus strand). Cytogenetic location: 10q24.32.
Variant type: single nucleotide variant.
Coding change: c.1018G>A on transcript NM_024747.6 (MANE Select); coding-DNA position 1018, G replaced by A.
Protein change: p.Gly340Arg; replaces glycine 340 with arginine.
Molecular consequence: missense variant.
Genome position (GRCh38, 1-based): chr10:102,066,492, G>A. VCF-style: chr10-102066492-G-A. GRCh37 (hg19) VCF-style: chr10-103826249-G-A.
Other names: short protein forms G340R.
Identifiers: ClinVar variation 2003375 (VCV002003375.4), dbSNP rs1172827931, ClinGen allele CA377863628.

ClinVar aggregate classification (germline): Uncertain significance (1 of 4 stars; one submission).

Allele frequency attached by ClinVar (database versions not stated): gnomAD exomes below 0.00001.
gnomAD v4.1: 1 of 1,614,230 alleles (0.000062%); highest among the groups gnomAD compares: Non-Finnish European, 0.000085%; no homozygotes.

Submission:

Labcorp Genetics (formerly Invitae), Labcorp
Classification: Uncertain significance. Last evaluated: 2022-08-25. Review status: criteria provided, single submitter. Criteria: Invitae Variant Classification Sherloc (09022015). Collection method: clinical testing. Allele origin: germline.
Comment: This sequence change replaces glycine, which is neutral and non-polar, with arginine, which is basic and polar, at codon 340 of the HPS6 protein (p.Gly340Arg). This variant is present in population databases (no rsID available, gnomAD 0.0009%). This variant has not been reported in the literature in individuals affected with HPS6-related conditions. Algorithms developed to predict the effect of missense changes on protein structure and function (SIFT, PolyPhen-2, Align-GVGD) all suggest that this variant is likely to be disruptive. In summary, the available evidence is currently insufficient to determine the role of this variant in disease. Therefore, it has been classified as a Variant of Uncertain Significance.